The following is an entry in ClinVar:

NM_022132.5(MCCC2):c.332A>G (p.Asn111Ser)

Gene: MCCC2 (methylcrotonyl-CoA carboxylase subunit 2; plus strand). Cytogenetic location: 5q13.2.
Variant type: single nucleotide variant.
Coding change: c.332A>G on transcript NM_022132.5 (MANE Select); coding-DNA position 332, A replaced by G.
Protein change: p.Asn111Ser; replaces asparagine 111 with serine.
Molecular consequence: missense variant.
Genome position (GRCh38, 1-based): chr5:71,599,709, A>G. VCF-style: chr5-71599709-A-G. GRCh37 (hg19) VCF-style: chr5-70895536-A-G.
Other names: c.332A>G, p.Asn111Ser (NM_001363147.1); short protein forms N111S.
Identifiers: ClinVar variation 2161260 (VCV002161260.4), dbSNP rs1745346677, ClinGen allele CA360008375.

ClinVar aggregate classification (germline): Uncertain significance (1 of 4 stars; one submission).

Conditions:
3-methylcrotonyl-CoA carboxylase 2 deficiency. Also called: METHYLCROTONYLGLYCINURIA, TYPE II; 3 alpha methylcrotonyl-CoA carboxylase 2 deficiency; 3 alpha methylcrotonylglycinuria 2; MCC 2 deficiency; Methylcrotonylglycinuria type 2. Identifiers: Orphanet 6, MedGen C1859499, MONDO:0008862, OMIM 210210.

Allele frequency attached by ClinVar (database versions not stated): gnomAD exomes below 0.00001; TOPMed 0.00001.
gnomAD v4.1: 7 of 1,614,130 alleles (0.00043%); highest among the groups gnomAD compares: South Asian, 0.0011%; no homozygotes.

Submission:

Labcorp Genetics (formerly Invitae), Labcorp
Classification: Uncertain significance for 3-methylcrotonyl-CoA carboxylase 2 deficiency. Last evaluated: 2024-10-29. Review status: criteria provided, single submitter. Criteria: Invitae Variant Classification Sherloc (09022015). Collection method: clinical testing. Allele origin: germline.
Comment: This sequence change replaces asparagine, which is neutral and polar, with serine, which is neutral and polar, at codon 111 of the MCCC2 protein (p.Asn111Ser). This variant is not present in population databases (gnomAD no frequency). This variant has not been reported in the literature in individuals affected with MCCC2-related conditions. ClinVar contains an entry for this variant (Variation ID: 2161260). Invitae Evidence Modeling of protein sequence and biophysical properties (such as structural, functional, and spatial information, amino acid conservation, physicochemical variation, residue mobility, and thermodynamic stability) indicates that this missense variant is not expected to disrupt MCCC2 protein function with a negative predictive value of 95%. In summary, the available evidence is currently insufficient to determine the role of this variant in disease. Therefore, it has been classified as a Variant of Uncertain Significance.